The following is an entry in ClinVar:

NC_000002.11:g.(?_238233417)_(238428692_?)dup

Genes: COL6A3 (collagen type VI alpha 3 chain; minus strand), MLPH (melanophilin; plus strand). Cytogenetic location: 2q37.3.
Variant type: Duplication.
Identifiers: ClinVar variation 2425086 (VCV002425086.5).

ClinVar aggregate classification (germline): Uncertain significance (1 of 4 stars; one submission).

Conditions:
Bethlem myopathy 1A. Also called: Bethlem Muscular Dystrophy; MYOPATHY, BENIGN CONGENITAL, WITH CONTRACTURES; Bethlem myopathy 1. Identifiers: Orphanet 610, MedGen CN029274, MONDO:0024530, OMIM 158810.

Submission:

Labcorp Genetics (formerly Invitae), Labcorp
Classification: Uncertain significance for Bethlem myopathy 1A. Last evaluated: 2022-08-31. Review status: criteria provided, single submitter. Criteria: Invitae Variant Classification Sherloc (09022015). Collection method: clinical testing. Allele origin: germline.
Comment: A copy number gain of the genomic region encompassing the full coding sequence of the COL6A3 gene has been identified. The boundaries of this event are unknown as they extend beyond the assayed region for this gene and therefore may encompass additional genes. As the precise location of this event is unknown, it may be in tandem or it may be located elsewhere in the genome. This variant has not been reported in the literature in individuals affected with COL6A3-related conditions. Experimental studies and prediction algorithms are not available or were not evaluated, and the functional significance of this variant is currently unknown. In summary, the available evidence is currently insufficient to determine the role of this variant in disease. Therefore, it has been classified as a Variant of Uncertain Significance.